The following is an entry in ClinVar:

ClinVar aggregate classification (germline): Conflicting classifications of pathogenicity. Review status: criteria provided, conflicting classifications (1 of 4 stars). 6 submissions from 5 submitters: Uncertain significance (5); Likely benign (1). Last evaluated 2025-10-28.

Conditions:
Developmental and epileptic encephalopathy, 14 (DEE14). Also called: Early infantile epileptic encephalopathy 14. Identifiers: Orphanet 293181, MedGen C3554195, MONDO:0013989, OMIM 614959.
Autosomal dominant nocturnal frontal lobe epilepsy 5. Also called: CILIARY DYSKINESIA, PRIMARY, 28, WITHOUT SITUS INVERSUS; CILIARY DYSKINESIA, PRIMARY, 28, WITH SITUS INVERSUS; Epilepsy, nocturnal frontal lobe, 5; KCNT1-Related Epilepsy. Identifiers: Orphanet 98784, MedGen C3554306, MONDO:0014002, OMIM 615005.
Inborn genetic diseases. Identifiers: MedGen C0950123, MeSH D030342.

Allele frequency attached by ClinVar (database versions not stated): gnomAD 0.00005; gnomAD exomes 0.00005; TOPMed 0.00005; ExAC 0.00006; 1000 Genomes Project 30x 0.00016; 1000 Genomes Project 0.00020.
gnomAD v4.1: 24 of 1,607,212 alleles (0.0015%); highest among the groups gnomAD compares: African/African-American, 0.008%; no homozygotes.

Submissions (6):

Labcorp Genetics (formerly Invitae), Labcorp
Classification: Uncertain significance for Autosomal dominant nocturnal frontal lobe epilepsy 5; Developmental and epileptic encephalopathy, 14. Last evaluated: 2025-10-28. Review status: criteria provided, single submitter. Criteria: Invitae Variant Classification Sherloc (09022015). Collection method: clinical testing. Allele origin: germline.
Comment: This sequence change falls in intron 15 of the KCNT1 gene. It does not directly change the encoded amino acid sequence of the KCNT1 protein. It affects a nucleotide within the consensus splice site. This variant is present in population databases (rs554828530, gnomAD 0.02%). This variant has not been reported in the literature in individuals affected with KCNT1-related conditions. ClinVar contains an entry for this variant (Variation ID: 211240). Variants that disrupt the consensus splice site are a relatively common cause of aberrant splicing (PMID: 17576681, 9536098). Algorithms developed to predict the effect of sequence changes on RNA splicing suggest that this variant is not likely to affect RNA splicing. In summary, the available evidence is currently insufficient to determine the role of this variant in disease. Therefore, it has been classified as a Variant of Uncertain Significance.

Ambry Genetics
Classification: Likely benign for Inborn genetic diseases. Last evaluated: 2025-07-22. Review status: criteria provided, single submitter. Criteria: Ambry Variant Classification Scheme 2023. Collection method: clinical testing. Allele origin: germline.

Genome-Nilou Lab
Classification: Uncertain significance for Developmental and epileptic encephalopathy, 14. Last evaluated: 2022-03-15. Review status: criteria provided, single submitter. Criteria: ACMG Guidelines, 2015. Collection method: clinical testing. Allele origin: germline. Affected: no.

Genome-Nilou Lab
Classification: Uncertain significance for Autosomal dominant nocturnal frontal lobe epilepsy 5. Last evaluated: 2022-03-15. Review status: criteria provided, single submitter. Criteria: ACMG Guidelines, 2015. Collection method: clinical testing. Allele origin: germline. Affected: no.

CeGaT Center for Human Genetics Tuebingen
Classification: Uncertain significance. Last evaluated: 2016-08-01. Review status: criteria provided, single submitter. Criteria: CeGaT Center For Human Genetics Tuebingen Variant Classification Criteria Version 2. Collection method: clinical testing. Allele origin: germline. Affected: yes. Observed: 1 variant allele.

Genetic Services Laboratory, University of Chicago
Classification: Uncertain significance. Last evaluated: 2015-08-05. Review status: criteria provided, single submitter. Criteria: ACMG Guidelines, 2015. Collection method: clinical testing. Allele origin: germline.

Literature cited by the submitters: PubMed 17576681 (cited by Labcorp Genetics (formerly Invitae), Labcorp); PubMed 9536098 (cited by Labcorp Genetics (formerly Invitae), Labcorp).

NM_020822.3(KCNT1):c.1510+4C>T

Gene: KCNT1 (potassium sodium-activated channel subfamily T member 1; plus strand). Cytogenetic location: 9q34.3.
Variant type: single nucleotide variant.
Coding change: c.1510+4C>T on transcript NM_020822.3 (MANE Select); 4 bases into the intron after coding-DNA position 1510, C replaced by T.
Molecular consequence: intron variant.
Genome position (GRCh38, 1-based): chr9:135,768,941, C>T. VCF-style: chr9-135768941-C-T. GRCh37 (hg19) VCF-style: chr9-138660787-C-T.
Other names: c.1375+4C>T (NM_001272003.2).
Identifiers: ClinVar variation 211240 (VCV000211240.57), dbSNP rs554828530, ClinGen allele CA206320.
Genomic context (GRCh38, chr9:135,768,941, plus strand): 5'-GCCCCCTCTACGTCCAGATCCTCAAACCTGAAAACAAGTTTCACGTCAAGTTTGCTGGTG[C>T]GTCTGGGGCACACGTGGGTGATGGTGTATCTGGGGCAGGGCACGTGTGCACACGTGGGTG-3'